The following is an entry in ClinVar:

ClinVar aggregate classification (germline): Uncertain significance (1 of 4 stars; one submission).

Submission:

Labcorp Genetics (formerly Invitae), Labcorp
Classification: Uncertain significance. Last evaluated: 2018-12-12. Review status: criteria provided, single submitter. Criteria: Invitae Variant Classification Sherloc (09022015). Collection method: clinical testing. Allele origin: germline.
Comment: This variant is not present in population databases (ExAC no frequency). In summary, the available evidence is currently insufficient to determine the role of this variant in disease. Therefore, it has been classified as a Variant of Uncertain Significance. The current clinical and genetic evidence is not sufficient to establish whether loss-of-function variants in ABRAXAS1 cause disease. This variant has not been reported in the literature in individuals with ABRAXAS1-related conditions. This sequence change creates a premature translational stop signal (p.Leu153Tyrfs*14) in the ABRAXAS1 gene. It is expected to result in an absent or disrupted protein product.

NM_139076.3(ABRAXAS1):c.456del (p.Leu153fs)

Gene: ABRAXAS1 (abraxas 1, BRCA1 A complex subunit; minus strand). Cytogenetic location: 4q21.23.
Variant type: Deletion.
Coding change: c.456del on transcript NM_139076.3 (MANE Select); coding-DNA position 456, one base deleted (C; older notation c.456delC).
Protein change: p.Leu153fs; shifts the reading frame from leucine 153.
Molecular consequence: frameshift variant.
Genome position (GRCh38, 1-based): chr4:83,470,223, G deleted on the plus strand (C on the coding strand, the reverse complement: ABRAXAS1 is on the minus strand); the first of 2 consecutive G bases (chr4:83,470,223-83,470,224); deleting either gives the same sequence. VCF-style (leftmost placement, unchanged base first): chr4-83470222-AG-A. GRCh37 (hg19) VCF-style: chr4-84391375-AG-A.
Other names: c.129del, p.Leu44fs (NM_001345962.2); c.456delC (NM_139076.2); short protein forms L153fs, L44fs.
Identifiers: ClinVar variation 652250 (VCV000652250.6), dbSNP rs1578128367, ClinGen allele CA915943075.
Genomic context (GRCh38, chr4:83,470,222, plus strand): 5'-TTCTATTAGTTTAATACAGCCAGTGACTGGCCAACATTTACCCTTTTTGAGGTTTATATA[AG>A]GAATGTTCCAGTCGATGAGTAGAGCAGCTTTCTGTTATTATACTTGGTGTTAATAGCAGA-3'